The following is an entry in ClinVar:

ClinVar aggregate classification (germline): Uncertain significance (1 of 4 stars; one submission).

Allele frequency attached by ClinVar (database versions not stated): ExAC 0.00009; ESP Exome Variant Server 0.00015; gnomAD 0.00017; TOPMed 0.00024; 1000 Genomes Project 0.00040; 1000 Genomes Project 30x 0.00047.
gnomAD v4.1: 90 of 1,610,282 alleles (0.0056%); highest among the groups gnomAD compares: African/African-American, 0.067%; no homozygotes.

Submission:

Labcorp Genetics (formerly Invitae), Labcorp
Classification: Uncertain significance. Last evaluated: 2025-06-01. Review status: criteria provided, single submitter. Criteria: Invitae Variant Classification Sherloc (09022015). Collection method: clinical testing. Allele origin: germline.
Comment: This sequence change replaces aspartic acid, which is acidic and polar, with asparagine, which is neutral and polar, at codon 238 of the INTU protein (p.Asp238Asn). This variant is present in population databases (rs58739356, gnomAD 0.07%), and has an allele count higher than expected for a pathogenic variant. This variant has not been reported in the literature in individuals affected with INTU-related conditions. ClinVar contains an entry for this variant (Variation ID: 2045811). Invitae Evidence Modeling of protein sequence and biophysical properties (such as structural, functional, and spatial information, amino acid conservation, physicochemical variation, residue mobility, and thermodynamic stability) indicates that this missense variant is not expected to disrupt INTU protein function with a negative predictive value of 80%. In summary, the available evidence is currently insufficient to determine the role of this variant in disease. Therefore, it has been classified as a Variant of Uncertain Significance.

NM_015693.4(INTU):c.712G>A (p.Asp238Asn)

Gene: INTU (inturned planar cell polarity protein; plus strand). Cytogenetic location: 4q28.1.
Variant type: single nucleotide variant.
Coding change: c.712G>A on transcript NM_015693.4 (MANE Select); coding-DNA position 712, G replaced by A.
Protein change: p.Asp238Asn; replaces aspartic acid 238 with asparagine.
Molecular consequence: missense variant.
Genome position (GRCh38, 1-based): chr4:127,656,665, G>A. VCF-style: chr4-127656665-G-A. GRCh37 (hg19) VCF-style: chr4-128577820-G-A.
Other names: short protein forms D238N.
Identifiers: ClinVar variation 2045811 (VCV002045811.4), dbSNP rs58739356, ClinGen allele CA3074870.